The following is an entry in ClinVar:

ClinVar aggregate classification (germline): Uncertain significance (1 of 4 stars; one submission).

Submission:

Labcorp Genetics (formerly Invitae), Labcorp
Classification: Uncertain significance. Last evaluated: 2019-01-30. Review status: criteria provided, single submitter. Criteria: Invitae Variant Classification Sherloc (09022015). Collection method: clinical testing. Allele origin: germline.
Comment: This variant results in a copy number gain of the genomic region encompassing exons 17-30 of the NEDD4L gene. The 5' boundary is likely confined to intron 16. The 3' end of this event is unknown as it extends beyond the assayed region for this gene and therefore may encompass additional genes. As the precise location of this event is unknown, it may be in tandem or it may be located elsewhere in the genome. This variant has not been reported in the literature in individuals with NEDD4L-related disease. Experimental studies are not available for this variant, and the functional significance of a copy number gain of these exons is currently unknown. In summary, the available evidence is currently insufficient to determine the role of this variant in disease. Therefore, it has been classified as a Variant of Uncertain Significance.

NC_000018.9:g.(?_56018203)_(56063521_?)dup

Gene: NEDD4L (NEDD4 like E3 ubiquitin protein ligase; plus strand). Cytogenetic location: 18q21.31.
Variant type: Duplication.
Identifiers: ClinVar variation 649636 (VCV000649636.2).